The following is an entry in ClinVar:

ClinVar aggregate classification (germline): Uncertain significance (1 of 4 stars; one submission).

Conditions:
Hereditary cancer-predisposing syndrome. Also called: Neoplastic Syndromes, Hereditary; Tumor predisposition; Hereditary Cancer Syndrome; Hereditary neoplastic syndrome. Identifiers: Orphanet 140162, MedGen C0027672, MeSH D009386, MONDO:0015356.

gnomAD v4.1: 4 of 1,498,690 alleles (0.00027%); highest among the groups gnomAD compares: East Asian, 0.0027%; no homozygotes.

Submission:

Ambry Genetics
Classification: Uncertain significance for Hereditary cancer-predisposing syndrome. Last evaluated: 2026-01-27. Review status: criteria provided, single submitter. Criteria: Ambry Variant Classification Scheme 2023. Collection method: clinical testing. Allele origin: germline.
Comment: The p.P26L variant (also known as c.77C>T), located in coding exon 1 of the RB1 gene, results from a C to T substitution at nucleotide position 77. The proline at codon 26 is replaced by leucine, an amino acid with similar properties. This amino acid position is well conserved in available vertebrate species. In addition, the in silico prediction for this alteration is inconclusive. Based on the available evidence, the clinical significance of this variant remains unclear.

NM_000321.3(RB1):c.77C>T (p.Pro26Leu)

Gene: RB1 (RB transcriptional corepressor 1; plus strand). Cytogenetic location: 13q14.2.
Variant type: single nucleotide variant.
Coding change: c.77C>T on transcript NM_000321.3 (MANE Select); coding-DNA position 77, C replaced by T.
Protein change: p.Pro26Leu; replaces proline 26 with leucine.
Molecular consequence: missense variant.
Genome position (GRCh38, 1-based): chr13:48,303,989, C>T. VCF-style: chr13-48303989-C-T. GRCh37 (hg19) VCF-style: chr13-48878125-C-T.
Other names: c.77C>T, p.Pro26Leu (NM_001407165.1, NM_001407166.1, NM_001407167.1); short protein forms P26L.
Identifiers: ClinVar variation 4827767 (VCV004827767.1).